The following is an entry in ClinVar:

ClinVar aggregate classification (germline): Likely pathogenic (1 of 4 stars; one submission).

Conditions:
Mucopolysaccharidosis, MPS-III-A (MPS3A). Also called: Mucopolysaccharidosis, type IIIA; MPS IIIA (Sanfilippo Syndrome Type A); MPS III A; SANFILIPPO SYNDROME A; SULFAMIDASE DEFICIENCY; Mucopolysaccharidosis type IIIA (Sanfilippo A). Identifiers: Orphanet 581, Orphanet 79269, MedGen C0086647, MONDO:0009655, OMIM 252900.

Submission:

Laboratory of Diagnosis and Therapy of Lysosomal Disorders, University of Padova
Classification: Likely pathogenic for Mucopolysaccharidosis, MPS-III-A. Last evaluated: 2019-01-01. Review status: criteria provided, single submitter. Criteria: ACMG Guidelines, 2015. Collection method: literature only. Allele origin: germline. Affected: yes.
Comment: PVS1: frameshift. PM2: Absent from GnomAD

Literature cited by the submitters: PubMed 30809705.

NM_000199.5(SGSH):c.1147del (p.His383fs)

Gene: SGSH (N-sulfoglucosamine sulfohydrolase; minus strand). Cytogenetic location: 17q25.3.
Variant type: Deletion.
Coding change: c.1147del on transcript NM_000199.5 (MANE Select); coding-DNA position 1147, one base deleted (C; older notation c.1147delC).
Protein change: p.His383fs; shifts the reading frame from histidine 383.
Molecular consequence: frameshift variant. On other transcripts: 3 prime UTR variant (2), non-coding transcript variant (1).
Genome position (GRCh38, 1-based): chr17:80,210,814, G deleted on the plus strand (C on the coding strand, the reverse complement: SGSH is on the minus strand). VCF-style (leftmost placement, unchanged base first): chr17-80210813-TG-T. GRCh37 (hg19) VCF-style: chr17-78184612-TG-T.
Other names: c.*234del (NM_001352921.3); c.*197del (NM_001352922.2); short protein forms H383fs.
Identifiers: ClinVar variation 638091 (VCV000638091.1), dbSNP rs1598738369, ClinGen allele CA915952227.